The following is an entry in ClinVar:

ClinVar aggregate classification (germline): Pathogenic (1 of 4 stars; one submission).

Conditions:
Primary ciliary dyskinesia. Also called: Ciliary dyskinesia. Identifiers: Orphanet 244, MedGen C0008780, MONDO:0016575, HP:0012265.

Submission:

Labcorp Genetics (formerly Invitae), Labcorp
Classification: Pathogenic for Primary ciliary dyskinesia. Last evaluated: 2025-06-12. Review status: criteria provided, single submitter. Criteria: Invitae Variant Classification Sherloc (09022015). Collection method: clinical testing. Allele origin: germline.
Comment: This sequence change creates a premature translational stop signal (p.Ile470Serfs*2) in the RSPH4A gene. It is expected to result in an absent or disrupted protein product. Loss-of-function variants in RSPH4A are known to be pathogenic (PMID: 19200523). This variant is not present in population databases (gnomAD no frequency). This variant has not been reported in the literature in individuals affected with RSPH4A-related conditions. ClinVar contains an entry for this variant (Variation ID: 1430853). For these reasons, this variant has been classified as Pathogenic.

Literature cited by the submitters: PubMed 19200523.

NM_001010892.3(RSPH4A):c.1407del (p.Ile470fs)

Gene: RSPH4A (radial spoke head component 4A; plus strand). Cytogenetic location: 6q22.1.
Variant type: Deletion.
Coding change: c.1407del on transcript NM_001010892.3 (MANE Select); coding-DNA position 1407, one base deleted (C; older notation c.1407delC).
Protein change: p.Ile470fs; shifts the reading frame from isoleucine 470.
Molecular consequence: frameshift variant.
Genome position (GRCh38, 1-based): chr6:116,628,114, C deleted; the last of 3 consecutive C bases (chr6:116,628,112-116,628,114); deleting any one gives the same sequence. VCF-style (leftmost placement, unchanged base first): chr6-116628111-TC-T. GRCh37 (hg19) VCF-style: chr6-116949274-TC-T.
Other names: c.1407del, p.Ile470fs (NM_001161664.2); short protein forms I470fs.
Identifiers: ClinVar variation 1430853 (VCV001430853.6), dbSNP rs2115362230, ClinGen allele CA2573140425.